The following is an entry in ClinVar:

NM_007294.4(BRCA1):c.547+5G>A

Gene: BRCA1 (BRCA1 DNA repair associated; minus strand). Cytogenetic location: 17q21.31.
Variant type: single nucleotide variant.
Coding change: c.547+5G>A on transcript NM_007294.4 (MANE Select); 5 bases into the intron after coding-DNA position 547, G replaced by A.
Molecular consequence: intron variant.
Genome position (GRCh38, 1-based): chr17:43,099,770, C>T on the plus strand (G>A on the coding strand, the complement: BRCA1 is on the minus strand). VCF-style: chr17-43099770-C-T. GRCh37 (hg19) VCF-style: chr17-41251787-C-T.
Other names: c.406+5G>A (NM_001408458.1, NM_001407922.1, NM_001408469.1 and 61 more transcripts); c.-218-4910G>A (NM_001407967.1, NM_001407966.1); c.166+5G>A (NM_001407959.1, NM_001408512.1, NM_001408510.1 and 3 more transcripts); c.403+5G>A (NM_001407931.1, NM_001407747.1, NM_001408470.1 and 35 more transcripts); c.163+5G>A (NM_001407962.1); c.337+5G>A (NM_001407885.1, NM_001407886.1, NM_001407881.1 and 37 more transcripts); c.544+5G>A (NM_001407686.1, NM_001408397.1, NM_001407632.1 and 65 more transcripts); c.547+5G>A (NM_001408436.1, NM_001407665.1, NM_001407980.1 and 96 more transcripts); and 5 more.
Identifiers: ClinVar variation 1010631 (VCV001010631.8), dbSNP rs2054288603, ClinGen allele CA2260787654.

ClinVar aggregate classification (germline): Uncertain significance (1 of 4 stars; one submission).

Conditions:
Hereditary breast ovarian cancer syndrome. Also called: BRCA1- and BRCA2-Associated Hereditary Breast and Ovarian Cancer; Hereditary breast and ovarian cancer; Hereditary breast and ovarian cancer syndrome; Breast and ovarian cancer; Hereditary breast and/or ovarian cancer syndrome; Hereditary breast and ovarian cancer syndrome (HBOC). Identifiers: Orphanet 145, MedGen C0677776, MeSH D061325, MONDO:0003582. Disease mechanism: loss of function.

Submission:

Labcorp Genetics (formerly Invitae), Labcorp
Classification: Uncertain significance for Hereditary breast ovarian cancer syndrome. Last evaluated: 2020-07-08. Review status: criteria provided, single submitter. Criteria: Invitae Variant Classification Sherloc (09022015). Collection method: clinical testing. Allele origin: germline.
Comment: This sequence change falls in intron 7 of the BRCA1 gene. It does not directly change the encoded amino acid sequence of the BRCA1 protein, but it affects a nucleotide within the consensus splice site of the intron. In summary, the available evidence is currently insufficient to determine the role of this variant in disease. Therefore, it has been classified as a Variant of Uncertain Significance. Nucleotide substitutions within the consensus splice site are a relatively common cause of aberrant splicing (PMID: 17576681, 9536098). Algorithms developed to predict the effect of sequence changes on RNA splicing suggest that this variant may disrupt the consensus splice site, but this prediction has not been confirmed by published transcriptional studies. This variant is not present in population databases (ExAC no frequency). This variant has not been reported in the literature in individuals with BRCA1-related conditions.

Literature cited by the submitters: PubMed 17576681; PubMed 9536098.